The following is an entry in ClinVar:

NM_001134831.2(AHI1):c.2944_2945del (p.Arg982fs)

Gene: AHI1 (Abelson helper integration site 1; minus strand). Cytogenetic location: 6q23.3.
Variant type: Microsatellite.
Coding change: c.2944_2945del on transcript NM_001134831.2 (MANE Select); coding-DNA positions 2944 to 2945, 2 bases deleted (AG; older notation c.2944_2945delAG).
Protein change: p.Arg982fs; shifts the reading frame from arginine 982.
Molecular consequence: frameshift variant.
Genome position (GRCh38, 1-based): chr6:135,411,364-135,411,365, CT deleted on the plus strand (AG on the coding strand, the reverse complement: AHI1 is on the minus strand); deleting any 2 consecutive bases within chr6:135,411,364-135,411,367 gives the same sequence; the c. name uses the placement nearest the transcript's 3' end. VCF-style (leftmost placement, unchanged base first): chr6-135411363-CCT-C. GRCh37 (hg19) VCF-style: chr6-135732501-CCT-C.
Other names: c.2944_2945del, p.Arg982fs (NM_001134830.2, NM_001134832.2, NM_001350503.2 and 2 more transcripts); short protein forms R982fs.
Identifiers: ClinVar variation 5014614 (VCV005014614.1).
Genomic context (GRCh38, chr6:135,411,363, plus strand): 5'-GGATAGAAATAGTTTTAAAGTTTCAACTGCATAAAATAAACTTACTGTGACAGTTTCAAG[CCT>C]CTGTTTTACTAGCTGCATCTTCGTTGAAGAACTTTCAGTGTGGACAAATTCATCAATCTG-3'

ClinVar aggregate classification (germline): Pathogenic (1 of 4 stars; one submission).

Conditions:
Joubert syndrome 3 (JBTS3). Also called: AHI1-related Ciliopathy. Identifiers: Orphanet 220493, MedGen C1837713, MONDO:0012078, OMIM 608629.

Submission:

Myriad Genetics, Inc.
Classification: Pathogenic for Joubert syndrome 3. Last evaluated: 2025-06-18. Review status: criteria provided, single submitter. Criteria: Myriad Autosomal Dominant, Autosomal Recessive and X-Linked Classification Criteria (2023). Collection method: clinical testing. Allele origin: unknown.
Comment: NM_001134831.1(AHI1):c.2944_2945delAG(R982Afs*2) is expected to be pathogenic in the context of Joubert syndrome, AHI1-related. This variant is predicted to lead to an abnormal or absent protein product due to the creation of a premature termination codon in AHI1, a gene where loss-of-function variants are known to be pathogenic. Please note: this variant was assessed in the context of healthy population screening.